The following is an entry in ClinVar:

ClinVar aggregate classification (germline): Benign/Likely benign. Review status: criteria provided, multiple submitters, no conflicts (2 of 4 stars). 5 submissions from 5 submitters: Benign (3); Likely benign (2). Last evaluated 2025-06-01.

Allele frequency attached by ClinVar (database versions not stated): 1000 Genomes Project 30x 0.00219; 1000 Genomes Project 0.00260; ExAC 0.00280; gnomAD exomes 0.00303 and 0.00514; gnomAD 0.00360 and 0.00367; TOPMed 0.00394; ESP Exome Variant Server 0.00415.
gnomAD v4.1: 8,061 of 1,614,124 alleles (0.5%); highest among the groups gnomAD compares: Non-Finnish European, 0.61%; 33 homozygotes.

Submissions (5):

CeGaT Center for Human Genetics Tuebingen
Classification: Likely benign. Last evaluated: 2025-06-01. Review status: criteria provided, single submitter. Criteria: CeGaT Center For Human Genetics Tuebingen Variant Classification Criteria Version 2. Collection method: clinical testing. Allele origin: germline. Affected: yes. Observed: 5 variant alleles.
Comment: NR1I3: BP4, BP7, BS2

Blueprint Genetics
Classification: Likely benign. Last evaluated: 2024-11-19. Review status: criteria provided, single submitter. Criteria: ACMG Guidelines, 2015. Collection method: clinical testing. Allele origin: germline.

Labcorp Genetics (formerly Invitae), Labcorp
Classification: Benign. Last evaluated: 2019-12-31. Review status: criteria provided, single submitter. Criteria: Invitae Variant Classification Sherloc (09022015). Collection method: clinical testing. Allele origin: germline.

Eurofins Ntd Llc (ga)
Classification: Benign. Last evaluated: 2014-01-23. Review status: criteria provided, single submitter. Criteria: EGL Classification Definitions 2015. Collection method: clinical testing. Allele origin: germline. Observed: 1 variant allele, 1 heterozygote.

Breakthrough Genomics
Classification: Benign. Review status: criteria provided, single submitter. Criteria: ACMG Guidelines, 2015. Collection method: not provided. Allele origin: germline. Inheritance: Unknown mechanism. Affected: yes.

NM_005122.5(NR1I3):c.930G>A (p.Ala310=)

Genes: NR1I3 (nuclear receptor subfamily 1 group I member 3; minus strand), TOMM40L (translocase of outer mitochondrial membrane 40 like; plus strand). Cytogenetic location: 1q23.3.
Variant type: single nucleotide variant.
Coding change: c.930G>A on transcript NM_005122.5 (MANE Select); coding-DNA position 930, G replaced by A.
Protein change: p.Ala310=; no amino-acid change (alanine 310 retained).
Molecular consequence: synonymous variant. On other transcripts: 3 prime UTR variant (3), intron variant (7).
Genome position (GRCh38, 1-based): chr1:161,229,914, C>T on the plus strand (G>A on the coding strand, the complement: NR1I3 is on the minus strand). VCF-style: chr1-161229914-C-T. GRCh37 (hg19) VCF-style: chr1-161199704-C-T.
Other names: c.*819C>T (NM_001286373.2, NM_001286374.2, NM_032174.6); c.726G>A, p.Ala242= (NM_001077470.3); c.813G>A, p.Ala271= (NM_001077471.3); c.858G>A, p.Ala286= (NM_001077472.3); c.843G>A, p.Ala281= (NM_001077479.3); c.942G>A, p.Ala314= (NM_001077480.3); c.828G>A, p.Ala276= (NM_001077481.3); c.957G>A, p.Ala319= (NM_001077482.3); and 7 more.
Identifiers: ClinVar variation 167382 (VCV000167382.34), dbSNP rs36017137, ClinGen allele CA180244.